The following is an entry in ClinVar:

NM_144687.4(NLRP12):c.3020A>G (p.Asn1007Ser)

Gene: NLRP12 (NLR family pyrin domain containing 12; minus strand). Cytogenetic location: 19q13.42.
Variant type: single nucleotide variant.
Coding change: c.3020A>G on transcript NM_144687.4 (MANE Select); coding-DNA position 3020, A replaced by G.
Protein change: p.Asn1007Ser; replaces asparagine 1007 with serine.
Molecular consequence: missense variant.
Genome position (GRCh38, 1-based): chr19:53,795,937, T>C on the plus strand (A>G on the coding strand, the complement: NLRP12 is on the minus strand). VCF-style: chr19-53795937-T-C. GRCh37 (hg19) VCF-style: chr19-54299191-T-C.
Other names: c.3020A>G (NM_144687.2); c.3023A>G, p.Asn1008Ser (NM_001277126.2); c.2849A>G, p.Asn950Ser (NM_001277129.1); short protein forms N1007S, N950S, N1008S.
Identifiers: ClinVar variation 2191073 (VCV002191073.5), dbSNP rs751548505, ClinGen allele CA9638800.

ClinVar aggregate classification (germline): Uncertain significance. Review status: criteria provided, multiple submitters, no conflicts (2 of 4 stars). 2 submissions from 2 submitters: Uncertain significance (2). Last evaluated 2025-10-26.

Conditions:
Inborn genetic diseases. Identifiers: MedGen C0950123, MeSH D030342.
Familial cold autoinflammatory syndrome 2 (FCAS2). Identifiers: Orphanet 247868, MedGen C2673198, MONDO:0012724, OMIM 611762.

Allele frequency attached by ClinVar (database versions not stated): ExAC 0.00002; gnomAD exomes 0.00002; gnomAD 0.00005; TOPMed 0.00005; 1000 Genomes Project 30x 0.00016.
gnomAD v4.1: 31 of 1,614,074 alleles (0.0019%); highest among the groups gnomAD compares: Admixed American, 0.017%; no homozygotes.

Submissions (2):

Labcorp Genetics (formerly Invitae), Labcorp
Classification: Uncertain significance for Familial cold autoinflammatory syndrome 2. Last evaluated: 2025-10-26. Review status: criteria provided, single submitter. Criteria: Invitae Variant Classification Sherloc (09022015). Collection method: clinical testing. Allele origin: germline.
Comment: This sequence change replaces asparagine, which is neutral and polar, with serine, which is neutral and polar, at codon 1007 of the NLRP12 protein (p.Asn1007Ser). This variant is present in population databases (rs751548505, gnomAD 0.01%). This variant has not been reported in the literature in individuals affected with NLRP12-related conditions. ClinVar contains an entry for this variant (Variation ID: 2191073). Experimental studies and prediction algorithms are not available or were not evaluated, and the functional significance of this variant is currently unknown. In summary, the available evidence is currently insufficient to determine the role of this variant in disease. Therefore, it has been classified as a Variant of Uncertain Significance.

Ambry Genetics
Classification: Uncertain significance for Inborn genetic diseases. Last evaluated: 2025-01-27. Review status: criteria provided, single submitter. Criteria: Ambry Variant Classification Scheme 2023. Collection method: clinical testing. Allele origin: germline.